The following is an entry in ClinVar:

ClinVar aggregate classification (germline): Uncertain significance (1 of 4 stars; one submission).

gnomAD v4.1: 10 of 1,589,746 alleles (0.00063%); highest among the groups gnomAD compares: Non-Finnish European, 0.00086%; no homozygotes.

Submission:

Labcorp Genetics (formerly Invitae), Labcorp
Classification: Uncertain significance. Last evaluated: 2024-08-27. Review status: criteria provided, single submitter. Criteria: Invitae Variant Classification Sherloc (09022015). Collection method: clinical testing. Allele origin: germline.
Comment: This sequence change replaces serine, which is neutral and polar, with glycine, which is neutral and non-polar, at codon 40 of the TUBGCP4 protein (p.Ser40Gly). This variant is present in population databases (rs768846806, gnomAD 0.004%). This variant has not been reported in the literature in individuals affected with TUBGCP4-related conditions. Invitae Evidence Modeling of protein sequence and biophysical properties (such as structural, functional, and spatial information, amino acid conservation, physicochemical variation, residue mobility, and thermodynamic stability) indicates that this missense variant is not expected to disrupt TUBGCP4 protein function with a negative predictive value of 80%. In summary, the available evidence is currently insufficient to determine the role of this variant in disease. Therefore, it has been classified as a Variant of Uncertain Significance.

NM_014444.5(TUBGCP4):c.118A>G (p.Ser40Gly)

Gene: TUBGCP4 (tubulin gamma complex component 4; plus strand). Cytogenetic location: 15q15.3.
Variant type: single nucleotide variant.
Coding change: c.118A>G on transcript NM_014444.5 (MANE Select); coding-DNA position 118, A replaced by G.
Protein change: p.Ser40Gly; replaces serine 40 with glycine.
Molecular consequence: missense variant.
Genome position (GRCh38, 1-based): chr15:43,376,137, A>G. VCF-style: chr15-43376137-A-G. GRCh37 (hg19) VCF-style: chr15-43668335-A-G.
Other names: c.118A>G, p.Ser40Gly (NM_001286414.3); short protein forms S40G.
Identifiers: ClinVar variation 3623557 (VCV003623557.2).